The following is an entry in ClinVar:

ClinVar aggregate classification (germline): Uncertain significance (1 of 4 stars; one submission).

Conditions:
Hereditary cancer-predisposing syndrome. Also called: Tumor predisposition; Neoplastic Syndromes, Hereditary; Hereditary neoplastic syndrome; Hereditary Cancer Syndrome. Identifiers: Orphanet 140162, MedGen C0027672, MeSH D009386, MONDO:0015356.

Submission:

Ambry Genetics
Classification: Uncertain significance for Hereditary cancer-predisposing syndrome. Last evaluated: 2025-08-27. Review status: criteria provided, single submitter. Criteria: Ambry Variant Classification Scheme 2023. Collection method: clinical testing. Allele origin: germline.
Comment: The p.Y84N variant (also known as c.250T>A), located in coding exon 3 of the MUTYH gene, results from a T to A substitution at nucleotide position 250. The tyrosine at codon 84 is replaced by asparagine, an amino acid with dissimilar properties. This amino acid position is conserved. In addition, this alteration is predicted to be deleterious by in silico analysis. Based on the available evidence, the clinical significance of this variant remains unclear.

NM_001048174.2(MUTYH):c.166T>A (p.Tyr56Asn)

Gene: MUTYH (mutY DNA glycosylase; minus strand). Cytogenetic location: 1p34.1.
Variant type: single nucleotide variant.
Coding change: c.166T>A on transcript NM_001048174.2 (MANE Select); coding-DNA position 166, T replaced by A.
Protein change: p.Tyr56Asn; replaces tyrosine 56 with asparagine.
Molecular consequence: missense variant. On other transcripts: non-coding transcript variant (5), intron variant (5), 5 prime UTR variant (1).
Genome position (GRCh38, 1-based): chr1:45,333,511, A>T on the plus strand (T>A on the coding strand, the complement: MUTYH is on the minus strand). VCF-style: chr1-45333511-A-T. GRCh37 (hg19) VCF-style: chr1-45799183-A-T.
Other names: c.-92-14T>A (NM_001350651.2, NM_001407082.1); c.-97-14T>A (NM_001293192.2, NM_001293196.2, NM_001407091.1); c.166T>A, p.Tyr56Asn (NM_001407080.1, NM_001407081.1, NM_001407088.1 and 6 more transcripts); c.208T>A, p.Tyr70Asn (NM_001407083.1, NM_001407085.1, NM_001407073.1); c.169T>A, p.Tyr57Asn (NM_001407086.1, NM_001048172.2, NM_001407071.1 and 2 more transcripts); c.187T>A, p.Tyr63Asn (NM_001407087.1); c.241T>A, p.Tyr81Asn (NM_012222.3, NM_001407069.1); c.250T>A, p.Tyr84Asn (NM_001128425.2); and 4 more; short protein forms Y28N, Y63N, Y67N, Y81N, Y56N, Y57N, Y70N, Y71N.
Identifiers: ClinVar variation 4112809 (VCV004112809.1).